The following is an entry in ClinVar:

NM_001382391.1(CSPP1):c.3259G>A (p.Val1087Ile)

Genes: ARFGEF1 (ARF guanine nucleotide exchange factor 1; minus strand), CSPP1 (centrosome and spindle pole associated protein 1; plus strand). Cytogenetic location: 8q13.2.
Variant type: single nucleotide variant.
Coding change: c.3259G>A on transcript NM_001382391.1 (MANE Select); coding-DNA position 3259, G replaced by A.
Protein change: p.Val1087Ile; replaces valine 1087 with isoleucine.
Molecular consequence: missense variant. On other transcripts: intron variant (2).
Genome position (GRCh38, 1-based): chr8:67,190,688, G>A. VCF-style: chr8-67190688-G-A. GRCh37 (hg19) VCF-style: chr8-68102923-G-A.
Other names: c.2209G>A, p.Val737Ile (NM_001291339.2); c.3178G>A, p.Val1060Ile (NM_001363131.2); c.3064G>A, p.Val1022Ile (NM_001363132.2); c.2983G>A, p.Val995Ile (NM_001363133.2); c.3325G>A, p.Val1109Ile (NM_001364869.1); c.3145G>A, p.Val1049Ile (NM_001364870.1); c.3091G>A, p.Val1031Ile (NM_001438330.1); c.3244G>A, p.Val1082Ile (NM_001438331.1, NM_024790.7); and 3 more; short protein forms V737I, V1109I, V1022I, V1049I, V1060I, V1082I, V1087I, V995I.
Identifiers: ClinVar variation 1514049 (VCV001514049.6), dbSNP rs778723931, ClinGen allele CA4771113.

ClinVar aggregate classification (germline): Uncertain significance (1 of 4 stars; one submission).

Conditions:
Joubert syndrome 21 (JBTS21). Identifiers: MedGen C3810212, MONDO:0014288, OMIM 615636.

Allele frequency attached by ClinVar (database versions not stated): TOPMed 0.00002; ExAC 0.00001; gnomAD exomes 0.00001.
gnomAD v4.1: 6 of 1,614,088 alleles (0.00037%); highest among the groups gnomAD compares: East Asian, 0.0022%; no homozygotes.

Submission:

Labcorp Genetics (formerly Invitae), Labcorp
Classification: Uncertain significance for Joubert syndrome 21. Last evaluated: 2021-09-15. Review status: criteria provided, single submitter. Criteria: Invitae Variant Classification Sherloc (09022015). Collection method: clinical testing. Allele origin: germline.
Comment: Algorithms developed to predict the effect of missense changes on protein structure and function output the following: SIFT: "Tolerated"; PolyPhen-2: "Benign"; Align-GVGD: "Class C0". The isoleucine amino acid residue is found in multiple mammalian species, which suggests that this missense change does not adversely affect protein function. This variant has not been reported in the literature in individuals affected with CSPP1-related conditions. This variant is present in population databases (rs778723931, ExAC 0.006%). This sequence change replaces valine with isoleucine at codon 1082 of the CSPP1 protein (p.Val1082Ile). The valine residue is weakly conserved and there is a small physicochemical difference between valine and isoleucine. In summary, the available evidence is currently insufficient to determine the role of this variant in disease. Therefore, it has been classified as a Variant of Uncertain Significance.